The following is an entry in ClinVar:

NM_020975.6(RET):c.2409C>T (p.Ile803=)

Gene: RET (ret proto-oncogene; plus strand). Cytogenetic location: 10q11.21.
Variant type: single nucleotide variant.
Coding change: c.2409C>T on transcript NM_020975.6 (MANE Select); coding-DNA position 2409, C replaced by T.
Protein change: p.Ile803=; no amino-acid change (isoleucine 803 retained).
Molecular consequence: synonymous variant.
Genome position (GRCh38, 1-based): chr10:43,119,547, C>T. VCF-style: chr10-43119547-C-T. GRCh37 (hg19) VCF-style: chr10-43614995-C-T.
Other names: c.2409C>T, p.Ile803= (NM_000323.2, NM_001406743.1, NM_001406744.1 and 4 more transcripts); c.1647C>T, p.Ile549= (NM_001355216.2); c.2280C>T, p.Ile760= (NM_001406761.1, NM_001406762.1, NM_001406764.1); c.2274C>T, p.Ile758= (NM_001406763.1, NM_001406765.1); c.2121C>T, p.Ile707= (NM_001406766.1, NM_001406767.1, NM_001406770.1); c.2145C>T, p.Ile715= (NM_001406768.1); c.2013C>T, p.Ile671= (NM_001406769.1, NM_001406772.1); c.1971C>T, p.Ile657= (NM_001406771.1, NM_001406773.1); and 10 more.
Identifiers: ClinVar variation 136110 (VCV000136110.32), dbSNP rs535051804, ClinGen allele CA008743.

ClinVar aggregate classification (germline): Benign/Likely benign. Review status: criteria provided, multiple submitters, no conflicts (2 of 4 stars). 8 submissions from 7 submitters: Benign (1); Likely benign (4). 3 of the submissions do not count toward it. Last evaluated 2026-02-01.

Conditions:
RET-related disorder. Also called: RET-related condition; RET-related disease; RET-related disorders.
Hereditary cancer-predisposing syndrome. Also called: Tumor predisposition; Hereditary neoplastic syndrome; Hereditary Cancer Syndrome; Neoplastic Syndromes, Hereditary. Identifiers: Orphanet 140162, MedGen C0027672, MeSH D009386, MONDO:0015356.
Multiple endocrine neoplasia, type 2 (MEN2). Identifiers: Orphanet 653, MedGen C4048306, MONDO:0019003. Disease mechanism: gain of function.
Multiple endocrine neoplasia type 2A. Also called: Multiple Endocrine Neoplasia Type 2A (MEN2A); MULTIPLE ENDOCRINE NEOPLASIA, TYPE IIA; PTC SYNDROME; SIPPLE SYNDROME; MEN 2A; MEN-2A syndrome. Identifiers: Orphanet 247698, Orphanet 653, MedGen C0025268, MeSH D018813, MONDO:0008234, OMIM 171400.
Multiple endocrine neoplasia type 2B. Also called: MEN 2B; MUCOSAL NEUROMA SYNDROME; NEUROMATA, MUCOSAL, WITH ENDOCRINE TUMORS; WAGENMANN-FROBOESE SYNDROME; MULTIPLE ENDOCRINE NEOPLASIA, TYPE III; Multiple Endocrine Neoplasia Type 2B (MEN2B). Identifiers: Orphanet 247709, Orphanet 653, MedGen C0025269, MeSH D018814, MONDO:0008082, OMIM 162300.

Allele frequency attached by ClinVar (database versions not stated): gnomAD exomes 0.00002; TOPMed 0.00005; ExAC 0.00006; gnomAD 0.00006 and 0.00009; 1000 Genomes Project 30x 0.00016; 1000 Genomes Project 0.00020.
gnomAD v4.1: 112 of 1,605,180 alleles (0.007%); highest among the groups gnomAD compares: East Asian, 0.11%; no homozygotes.

Submissions (8):

Labcorp Genetics (formerly Invitae), Labcorp
Classification: Likely benign for Multiple endocrine neoplasia, type 2. Last evaluated: 2026-02-01. Review status: criteria provided, single submitter. Criteria: Invitae Variant Classification Sherloc (09022015). Collection method: clinical testing. Allele origin: germline.

CeGaT Center for Human Genetics Tuebingen
Classification: Likely benign. Last evaluated: 2025-05-01. Review status: criteria provided, single submitter. Criteria: CeGaT Center For Human Genetics Tuebingen Variant Classification Criteria Version 2. Collection method: clinical testing. Allele origin: germline. Affected: yes. Observed: 1 variant allele.
Comment: RET: BP4, BP7

Myriad Genetics, Inc.
Classification: Benign for Multiple endocrine neoplasia type 2A. Last evaluated: 2023-04-18. Review status: criteria provided, single submitter. Criteria: Myriad Autosomal Dominant, Autosomal Recessive and X-Linked Classification Criteria (2023). Collection method: clinical testing. Allele origin: unknown.
Comment: This variant is considered benign. This variant is a silent/synonymous amino acid change and it is not expected to impact splicing.

Color Diagnostics, LLC DBA Color Health
Classification: Likely benign for Multiple endocrine neoplasia, type 2. Last evaluated: 2022-09-29. Review status: criteria provided, single submitter. Criteria: ACMG Guidelines, 2015. Collection method: clinical testing. Allele origin: germline.

Ambry Genetics
Classification: Likely benign for Hereditary cancer-predisposing syndrome. Last evaluated: 2016-04-18. Review status: criteria provided, single submitter. Criteria: Ambry Variant Classification Scheme 2023. Collection method: clinical testing. Allele origin: germline.

PreventionGenetics, part of Exact Sciences
Classification: Likely benign for RET-related condition. Last evaluated: 2024-01-05. Review status: no assertion criteria provided. Collection method: clinical testing. Allele origin: germline. Not counted in ClinVar's aggregate classification.
Comment: This variant is classified as likely benign based on ACMG/AMP sequence variant interpretation guidelines (Richards et al. 2015 PMID: 25741868, with internal and published modifications).

Counsyl
Classification: Likely benign for Multiple endocrine neoplasia type 2B. Last evaluated: 2015-11-20. Review status: no assertion criteria provided. Collection method: clinical testing. Allele origin: unknown. Not counted in ClinVar's aggregate classification.

Counsyl
Classification: Likely benign for Multiple endocrine neoplasia type 2A. Last evaluated: 2015-11-20. Review status: no assertion criteria provided. Collection method: clinical testing. Allele origin: unknown. Not counted in ClinVar's aggregate classification.